The following is an entry in ClinVar:

ClinVar aggregate classification (germline): Pathogenic/Likely pathogenic. Review status: criteria provided, multiple submitters, no conflicts (2 of 4 stars). 3 submissions from 3 submitters: Pathogenic (1); Likely pathogenic (2). Last evaluated 2024-05-06.

Conditions:
SCNN1B-related disorder. Also called: SCNN1B-related condition.
Bronchiectasis with or without elevated sweat chloride 1 (BESC1). Also called: Cystic Fibrosis-Like Syndrome. Identifiers: Orphanet 60033, MedGen C2749757, MONDO:0008887, OMIM 211400.
Liddle syndrome 1 (LIDLS1). Also called: PSEUDOALDOSTERONISM. Identifiers: Orphanet 526, MedGen CN031472, MONDO:0020607, OMIM 177200.
Pseudohypoaldosteronism, type IB2, autosomal recessive (PHA1B2). Identifiers: MedGen C5774255, MONDO:0859317, OMIM 620125.

Allele frequency attached by ClinVar (database versions not stated): gnomAD 0.00001; ExAC 0.00002; gnomAD exomes 0.00002 and 0.00004; TOPMed 0.00002.

Submissions (3):

Blueprint Genetics
Classification: Likely pathogenic for SCNN1B-related disorders. Last evaluated: 2024-05-06. Review status: criteria provided, single submitter. Criteria: ACMG Guidelines, 2015. Collection method: clinical testing. Allele origin: germline. Affected: yes. Observed: 2 variant alleles.

Fulgent Genetics
Classification: Pathogenic for Liddle syndrome 1; Bronchiectasis with or without elevated sweat chloride 1; Pseudohypoaldosteronism, type IB2, autosomal recessive. Last evaluated: 2024-03-27. Review status: criteria provided, single submitter. Criteria: ACMG Guidelines, 2015. Collection method: clinical testing. Allele origin: germline.

Dasa
Classification: Likely pathogenic for Bronchiectasis with or without elevated sweat chloride 1. Last evaluated: 2022-03-05. Review status: criteria provided, single submitter. Criteria: ACMG Guidelines, 2015. Collection method: clinical testing. Allele origin: germline. Affected: yes. Observed: 1 variant allele.
Comment: The c.648dupA;p.(Glu217Argfs*38) is a null frameshift variant (NMD) in the SCNN1B gene and predicts alteration of the nonsense-mediate decay - NMD is present in a relevant exon to the transcript - PVS1. The variant is present at low allele frequencies population databases (rs747116196 – gnomAD 0.0004374%; ABraOM no frequency.) - PM2_supporting. In summary, the currently available evidence indicates that the variant is likely pathogenic.

NM_000336.3(SCNN1B):c.648dup (p.Glu217fs)

Gene: SCNN1B (sodium channel epithelial 1 subunit beta; plus strand). Cytogenetic location: 16p12.2.
Variant type: Duplication.
Coding change: c.648dup on transcript NM_000336.3 (MANE Select); coding-DNA position 648, one base duplicated (A; older notation c.648dupA).
Protein change: p.Glu217fs; shifts the reading frame from glutamic acid 217.
Molecular consequence: frameshift variant.
Genome position (GRCh38, 1-based): chr16:23,355,361, A duplicated. VCF-style (leftmost placement, unchanged base first): chr16-23355360-C-CA. GRCh37 (hg19) VCF-style: chr16-23366681-C-CA.
Other names: short protein forms E217fs.
Identifiers: ClinVar variation 1323566 (VCV001323566.8), dbSNP rs747116196, ClinGen allele CA7960206.